The following is an entry in ClinVar:

ClinVar aggregate classification (germline): Uncertain significance (1 of 4 stars; one submission).

Conditions:
Cardiovascular phenotype. Identifiers: MedGen CN230736.

gnomAD v4.1: 1 of 1,613,020 alleles (0.000062%); highest among the groups gnomAD compares: Non-Finnish European, 0.000085%; no homozygotes.

Submission:

Ambry Genetics
Classification: Uncertain significance for Cardiovascular phenotype. Last evaluated: 2025-03-13. Review status: criteria provided, single submitter. Criteria: Ambry Variant Classification Scheme 2023. Collection method: clinical testing. Allele origin: germline.
Comment: The p.E1972G variant (also known as c.5915A>G), located in coding exon 16 of the TNXB gene, results from an A to G substitution at nucleotide position 5915. The glutamic acid at codon 1972 is replaced by glycine, an amino acid with similar properties. This amino acid position is conserved. In addition, this alteration is predicted to be tolerated by in silico analysis. Based on the available evidence, the clinical significance of this variant remains unclear.

NM_001365276.2(TNXB):c.5915A>G (p.Glu1972Gly)

Gene: TNXB (tenascin XB; minus strand). Cytogenetic location: 6p21.33.
Variant type: single nucleotide variant.
Coding change: c.5915A>G on transcript NM_001365276.2 (MANE Select); coding-DNA position 5915, A replaced by G.
Protein change: p.Glu1972Gly; replaces glutamic acid 1972 with glycine.
Molecular consequence: missense variant.
Genome position (GRCh38, 1-based): chr6:32,068,695, T>C on the plus strand (A>G on the coding strand, the complement: TNXB is on the minus strand). VCF-style: chr6-32068695-T-C. GRCh37 (hg19) VCF-style: chr6-32036472-T-C.
Other names: c.6656A>G, p.Glu2219Gly (NM_001428335.1); c.5915A>G, p.Glu1972Gly (NM_019105.8); short protein forms E2219G, E1972G.
Identifiers: ClinVar variation 3809379 (VCV003809379.1).
Genomic context (GRCh38, chr6:32,068,695, plus strand): 5'-TCCCCCAGGCGAGGCTTGATGGGGGGCTCGGGGGTTGCGGTGGGAGGTTCTGAAGGCTTC[T>C]CCTCCTCCGGGACTGGACAGAGACATGGAAAGAGAGGACTGAGGTGGGCAGGGTATCCGC-3'
Protein context (NP_001352205.1, residues 1962-1982): HVEALTVPEE[Glu1972Gly]KPSEPPTATP